The following is an entry in ClinVar:

ClinVar aggregate classification (germline): Uncertain significance (1 of 4 stars; one submission).

Submission:

Labcorp Genetics (formerly Invitae), Labcorp
Classification: Uncertain significance. Last evaluated: 2022-04-18. Review status: criteria provided, single submitter. Criteria: Invitae Variant Classification Sherloc (09022015). Collection method: clinical testing. Allele origin: germline.
Comment: In summary, the available evidence is currently insufficient to determine the role of this variant in disease. Therefore, it has been classified as a Variant of Uncertain Significance. Algorithms developed to predict the effect of missense changes on protein structure and function are either unavailable or do not agree on the potential impact of this missense change (SIFT: "Deleterious"; PolyPhen-2: "Probably Damaging"; Align-GVGD: "Class C0"). This variant has not been reported in the literature in individuals affected with NEK2-related conditions. This variant is not present in population databases (gnomAD no frequency). This sequence change replaces proline, which is neutral and non-polar, with serine, which is neutral and polar, at codon 185 of the NEK2 protein (p.Pro185Ser).

NM_002497.4(NEK2):c.553C>T (p.Pro185Ser)

Gene: NEK2 (NIMA related kinase 2; minus strand). Cytogenetic location: 1q32.3.
Variant type: single nucleotide variant.
Coding change: c.553C>T on transcript NM_002497.4 (MANE Select); coding-DNA position 553, C replaced by T.
Protein change: p.Pro185Ser; replaces proline 185 with serine.
Molecular consequence: missense variant.
Genome position (GRCh38, 1-based): chr1:211,673,485, G>A on the plus strand (C>T on the coding strand, the complement: NEK2 is on the minus strand). VCF-style: chr1-211673485-G-A. GRCh37 (hg19) VCF-style: chr1-211846827-G-A.
Other names: c.553C>T, p.Pro185Ser (NM_001204182.2, NM_001204183.2); short protein forms P185S.
Identifiers: ClinVar variation 1923107 (VCV001923107.5), dbSNP rs1655465554, ClinGen allele CA344782915.
Genomic context (GRCh38, chr1:211,673,485, plus strand): 5'-AACAAGAAAACAAAAATAAAAGATGTTTTAAAAAGTAGCTAAATTCTGAAATACTTACAG[G>A]AGACATGTAATAAGGTGTGCCAACAAATGTTTTTGCAAAACTCGTGTCATGGTTTAATAT-3'
Protein context (NP_002488.1, residues 175-195): TFVGTPYYMS[Pro185Ser]EQMNRMSYNE